The following is an entry in ClinVar:

NM_198859.4(PRICKLE2):c.2441G>A (p.Ser814Asn)

Genes: PRICKLE2 (prickle planar cell polarity protein 2; minus strand), PRICKLE2-AS1 (PRICKLE2 antisense RNA 1; plus strand). Cytogenetic location: 3p14.1.
Variant type: single nucleotide variant.
Coding change: c.2441G>A on transcript NM_198859.4 (MANE Select); coding-DNA position 2441, G replaced by A.
Protein change: p.Ser814Asn; replaces serine 814 with asparagine.
Molecular consequence: missense variant. On other transcripts: non-coding transcript variant (1).
Genome position (GRCh38, 1-based): chr3:64,099,145, C>T on the plus strand (G>A on the coding strand, the complement: PRICKLE2 is on the minus strand). VCF-style: chr3-64099145-C-T. GRCh37 (hg19) VCF-style: chr3-64084821-C-T.
Other names: c.2441G>A, p.Ser814Asn (NM_001370528.1); short protein forms S814N.
Identifiers: ClinVar variation 2724024 (VCV002724024.3), dbSNP rs1457237019, ClinGen allele CA353425648.

ClinVar aggregate classification (germline): Uncertain significance (1 of 4 stars; one submission).

Conditions:
Progressive myoclonic epilepsy type 5. Identifiers: Orphanet 402082, MedGen C5190799.

Allele frequency attached by ClinVar (database versions not stated): gnomAD 0.00001; TOPMed 0.00001.
gnomAD v4.1: 1 of 1,614,098 alleles (0.000062%); highest among the groups gnomAD compares: African/African-American, 0.0013%; no homozygotes.

Submission:

Labcorp Genetics (formerly Invitae), Labcorp
Classification: Uncertain significance for Progressive myoclonic epilepsy type 5. Last evaluated: 2023-12-01. Review status: criteria provided, single submitter. Criteria: Invitae Variant Classification Sherloc (09022015). Collection method: clinical testing. Allele origin: germline.
Comment: This sequence change replaces serine, which is neutral and polar, with asparagine, which is neutral and polar, at codon 814 of the PRICKLE2 protein (p.Ser814Asn). This variant is not present in population databases (gnomAD no frequency). This variant has not been reported in the literature in individuals affected with PRICKLE2-related conditions. Advanced modeling of protein sequence and biophysical properties (such as structural, functional, and spatial information, amino acid conservation, physicochemical variation, residue mobility, and thermodynamic stability) performed at Invitae indicates that this missense variant is not expected to disrupt PRICKLE2 protein function with a negative predictive value of 80%. In summary, the available evidence is currently insufficient to determine the role of this variant in disease. Therefore, it has been classified as a Variant of Uncertain Significance.